The following is an entry in ClinVar:

NM_005802.5(TOPORS):c.2927A>G (p.Asn976Ser)

Gene: TOPORS (TOP1 binding arginine/serine rich protein, E3 ubiquitin ligase; minus strand). Cytogenetic location: 9p21.1.
Variant type: single nucleotide variant.
Coding change: c.2927A>G on transcript NM_005802.5 (MANE Select); coding-DNA position 2927, A replaced by G.
Protein change: p.Asn976Ser; replaces asparagine 976 with serine.
Molecular consequence: missense variant.
Genome position (GRCh38, 1-based): chr9:32,541,598, T>C on the plus strand (A>G on the coding strand, the complement: TOPORS is on the minus strand). VCF-style: chr9-32541598-T-C. GRCh37 (hg19) VCF-style: chr9-32541596-T-C.
Other names: c.2732A>G, p.Asn911Ser (NM_001195622.2); short protein forms N911S, N976S.
Identifiers: ClinVar variation 1025879 (VCV001025879.8), dbSNP rs748766113, ClinGen allele CA192357872.

ClinVar aggregate classification (germline): Uncertain significance (1 of 4 stars; one submission).

Allele frequency attached by ClinVar (database versions not stated): gnomAD exomes below 0.00001; gnomAD 0.00001; TOPMed 0.00001.

Submission:

Labcorp Genetics (formerly Invitae), Labcorp
Classification: Uncertain significance. Last evaluated: 2022-03-10. Review status: criteria provided, single submitter. Criteria: Invitae Variant Classification Sherloc (09022015). Collection method: clinical testing. Allele origin: germline.
Comment: In summary, the available evidence is currently insufficient to determine the role of this variant in disease. Therefore, it has been classified as a Variant of Uncertain Significance. Algorithms developed to predict the effect of missense changes on protein structure and function output the following: SIFT: "Deleterious"; PolyPhen-2: "Not Available"; Align-GVGD: "Class C0". The serine amino acid residue is found in multiple mammalian species, which suggests that this missense change does not adversely affect protein function. ClinVar contains an entry for this variant (Variation ID: 1025879). This variant has not been reported in the literature in individuals affected with TOPORS-related conditions. This variant is present in population databases (rs748766113, gnomAD 0.007%). This sequence change replaces asparagine, which is neutral and polar, with serine, which is neutral and polar, at codon 976 of the TOPORS protein (p.Asn976Ser).